The following is an entry in ClinVar:

NM_005120.3(MED12):c.3762AGG[1] (p.Gly1257del)

Gene: MED12 (mediator complex subunit 12; plus strand). Cytogenetic location: Xq13.1.
Variant type: Microsatellite.
Coding change: c.3762AGG[1] on transcript NM_005120.3 (MANE Select); one copy of the 3-base unit AGG starting at c.3762; the reference has two copies in a row; one copy, 3 bases deleted.
Protein change: p.Gly1257del; deletes glycine 1257.
Molecular consequence: inframe deletion.
Genome position (GRCh38, 1-based): chrX:71,129,753-71,129,755, AGG deleted; deleting any 3 consecutive bases within chrX:71,129,748-71,129,755 gives the same sequence; the position shown is the placement nearest the transcript's 3' end. VCF-style (leftmost placement, unchanged base first): chrX-71129747-GGGA-G. GRCh37 (hg19) VCF-style: chrX-70349597-GGGA-G.
Other names: short protein forms G1257del.
Identifiers: ClinVar variation 640129 (VCV000640129.11), dbSNP rs1602300077, ClinGen allele CA915951156.
Genomic context (GRCh38, chrX:71,129,747, plus strand): 5'-GGAACTGAAAGGTTCAGGCTTCACTGTGACAGGAGGAACAGAAGAACTTCCAGAGGAGGA[GGGA>G]GGAGGTGGCAGTGGTGGTCGGAGGCAGGGTGGCCGCAACATCTCTGTGGAGACAGCCAGT-3'

ClinVar aggregate classification (germline): Uncertain significance. Review status: criteria provided, multiple submitters, no conflicts (2 of 4 stars). 2 submissions from 2 submitters: Uncertain significance (2). Last evaluated 2025-10-13.

Conditions:
FG syndrome (FGS). Identifiers: MedGen C0220769, MONDO:0002010.
Familial thoracic aortic aneurysm and aortic dissection (TAAD). Also called: Thoracic aortic aneurysms and dissections. Identifiers: Orphanet 91387, MedGen C4707243, MONDO:0019625.

Submissions (2):

Labcorp Genetics (formerly Invitae), Labcorp
Classification: Uncertain significance for FG syndrome. Last evaluated: 2025-10-13. Review status: criteria provided, single submitter. Criteria: Invitae Variant Classification Sherloc (09022015). Collection method: clinical testing. Allele origin: germline.
Comment: This variant, c.3765_3767del, results in the deletion of 1 amino acid(s) of the MED12 protein (p.Gly1257del), but otherwise preserves the integrity of the reading frame. This variant is not present in population databases (gnomAD no frequency). This variant has not been reported in the literature in individuals affected with MED12-related conditions. Experimental studies and prediction algorithms are not available or were not evaluated, and the functional significance of this variant is currently unknown. In summary, the available evidence is currently insufficient to determine the role of this variant in disease. Therefore, it has been classified as a Variant of Uncertain Significance.

Ambry Genetics
Classification: Uncertain significance for Familial thoracic aortic aneurysm and aortic dissection. Last evaluated: 2018-04-12. Review status: criteria provided, single submitter. Criteria: Ambry Variant Classification Scheme 2023. Collection method: clinical testing. Allele origin: germline.
Comment: The c.3765_3767delAGG variant (also known as p.G1257del) is located in coding exon 27 of the MED12 gene. This variant results from an in-frame AGG deletion at nucleotide positions 3765 to 3767. This results in the in-frame deletion of a glycine at codon 1257. This amino acid position is well conserved in available vertebrate species. Since supporting evidence is limited at this time, the clinical significance of this alteration remains unclear.